The following is an entry in ClinVar:

NM_000138.5(FBN1):c.2485_2488del (p.Ile829fs)

Gene: FBN1 (fibrillin 1; minus strand). Cytogenetic location: 15q21.1.
Variant type: Deletion.
Coding change: c.2485_2488del on transcript NM_000138.5 (MANE Select); coding-DNA positions 2485 to 2488, 4 bases deleted (ATTT; older notation c.2485_2488delATTT).
Protein change: p.Ile829fs; shifts the reading frame from isoleucine 829.
Molecular consequence: frameshift variant.
Genome position (GRCh38, 1-based): chr15:48,495,520-48,495,523, AAAT deleted on the plus strand (ATTT on the coding strand, the reverse complement: FBN1 is on the minus strand); deleting any 4 consecutive bases within chr15:48,495,520-48,495,526 gives the same sequence; the c. name uses the placement nearest the transcript's 3' end. VCF-style (leftmost placement, unchanged base first): chr15-48495519-CAAAT-C. GRCh37 (hg19) VCF-style: chr15-48787716-CAAAT-C.
Other names: c.2485_2488delATTT (NM_000138.4); c.2485_2488del, p.Ile829fs (NM_001406716.1); short protein forms I829fs.
Identifiers: ClinVar variation 4023424 (VCV004023424.1).

ClinVar aggregate classification (germline): Pathogenic (1 of 4 stars; one submission).

Conditions:
Familial thoracic aortic aneurysm and aortic dissection (TAAD). Also called: Thoracic aortic aneurysms and dissections. Identifiers: Orphanet 91387, MedGen C4707243, MONDO:0019625.

Submission:

Ambry Genetics
Classification: Pathogenic for Familial thoracic aortic aneurysm and aortic dissection. Last evaluated: 2025-05-03. Review status: criteria provided, single submitter. Criteria: Ambry Variant Classification Scheme 2023. Collection method: clinical testing. Allele origin: germline.
Comment: The c.2485_2488delATTT pathogenic mutation, located in coding exon 20 of the FBN1 gene, results from a deletion of 4 nucleotides at nucleotide positions 2485 to 2488, causing a translational frameshift with a predicted alternate stop codon (p.I829Vfs*17). This variant was reported in individual(s) with features consistent with Marfan syndrome (Ambry internal data). This variant is considered to be rare based on population cohorts in the Genome Aggregation Database (gnomAD). This alteration is expected to result in loss of function by premature protein truncation or nonsense-mediated mRNA decay. As such, this alteration is interpreted as a disease-causing mutation.